The following is an entry in ClinVar:

ClinVar aggregate classification (germline): Uncertain significance. Review status: criteria provided, multiple submitters, no conflicts (2 of 4 stars). 2 submissions from 2 submitters: Uncertain significance (2). Last evaluated 2025-08-28.

Conditions:
Epidermodysplasia verruciformis. Identifiers: Orphanet 302, MedGen C0014522, MONDO:0009176.
Inborn genetic diseases. Identifiers: MedGen C0950123, MeSH D030342.

Allele frequency attached by ClinVar (database versions not stated): ExAC 0.00002; gnomAD 0.00006 and 0.00008; TOPMed 0.00006; ESP Exome Variant Server 0.00015.

Submissions (2):

Ambry Genetics
Classification: Uncertain significance for Inborn genetic diseases. Last evaluated: 2025-08-28. Review status: criteria provided, single submitter. Criteria: Ambry Variant Classification Scheme 2023. Collection method: clinical testing. Allele origin: germline.

Labcorp Genetics (formerly Invitae), Labcorp
Classification: Uncertain significance for Epidermodysplasia verruciformis. Last evaluated: 2022-05-30. Review status: criteria provided, single submitter. Criteria: Invitae Variant Classification Sherloc (09022015). Collection method: clinical testing. Allele origin: germline.
Comment: This sequence change replaces proline, which is neutral and non-polar, with histidine, which is basic and polar, at codon 154 of the TMC8 protein (p.Pro154His). This variant is present in population databases (rs141101059, gnomAD 0.02%). This variant has not been reported in the literature in individuals affected with TMC8-related conditions. ClinVar contains an entry for this variant (Variation ID: 1000366). Algorithms developed to predict the effect of missense changes on protein structure and function are either unavailable or do not agree on the potential impact of this missense change (SIFT: "Tolerated"; PolyPhen-2: "Possibly Damaging"; Align-GVGD: "Class C0"). In summary, the available evidence is currently insufficient to determine the role of this variant in disease. Therefore, it has been classified as a Variant of Uncertain Significance.

NM_152468.5(TMC8):c.461C>A (p.Pro154His)

Gene: TMC8 (transmembrane channel like 8; plus strand). Cytogenetic location: 17q25.3.
Variant type: single nucleotide variant.
Coding change: c.461C>A on transcript NM_152468.5 (MANE Select); coding-DNA position 461, C replaced by A.
Protein change: p.Pro154His; replaces proline 154 with histidine.
Molecular consequence: missense variant.
Genome position (GRCh38, 1-based): chr17:78,132,800, C>A. VCF-style: chr17-78132800-C-A. GRCh37 (hg19) VCF-style: chr17-76128881-C-A.
Other names: c.461C>A (NM_152468.4); short protein forms P154H.
Identifiers: ClinVar variation 1000366 (VCV001000366.7), dbSNP rs141101059, ClinGen allele CA8796468.